The following is an entry in ClinVar:

NM_005228.5(EGFR):c.1016G>T (p.Gly339Val)

Genes: EGFR (epidermal growth factor receptor; plus strand), LOC126860048 (P300/CBP strongly-dependent group 1 enhancer GRCh37_chr7:55223847-55225046; plus strand). Cytogenetic location: 7p11.2.
Variant type: single nucleotide variant.
Coding change: c.1016G>T on transcript NM_005228.5 (MANE Select); coding-DNA position 1016, G replaced by T.
Protein change: p.Gly339Val; replaces glycine 339 with valine.
Molecular consequence: missense variant.
Genome position (GRCh38, 1-based): chr7:55,156,542, G>T. VCF-style: chr7-55156542-G-T. GRCh37 (hg19) VCF-style: chr7-55224235-G-T.
Other names: c.881G>T, p.Gly294Val (NM_001346897.2, NM_001346899.2); c.1016G>T, p.Gly339Val (NM_001346898.2, NM_201282.2, NM_201283.2 and 1 more transcripts); c.857G>T, p.Gly286Val (NM_001346900.2); c.215G>T, p.Gly72Val (NM_001346941.2); short protein forms G339V, G286V, G294V, G72V.
Identifiers: ClinVar variation 3843852 (VCV003843852.1).

ClinVar aggregate classification (germline): Uncertain significance (1 of 4 stars; one submission).

Conditions:
Hereditary cancer-predisposing syndrome. Also called: Hereditary neoplastic syndrome; Neoplastic Syndromes, Hereditary; Tumor predisposition; Hereditary Cancer Syndrome. Identifiers: Orphanet 140162, MedGen C0027672, MeSH D009386, MONDO:0015356.

Submission:

Ambry Genetics
Classification: Uncertain significance for Hereditary cancer-predisposing syndrome. Last evaluated: 2025-03-02. Review status: criteria provided, single submitter. Criteria: Ambry Variant Classification Scheme 2023. Collection method: clinical testing. Allele origin: germline.
Comment: The p.G339V variant (also known as c.1016G>T), located in coding exon 9 of the EGFR gene, results from a G to T substitution at nucleotide position 1016. The glycine at codon 339 is replaced by valine, an amino acid with dissimilar properties. This amino acid position is conserved. In addition, this alteration is predicted to be deleterious by in silico analysis. Based on the available evidence, the clinical significance of this variant remains unclear.